The following is an entry in ClinVar:

ClinVar aggregate classification (germline): Likely pathogenic (1 of 4 stars; one submission).

Conditions:
Rett syndrome (RTT). Also called: AUTISM, DEMENTIA, ATAXIA, AND LOSS OF PURPOSEFUL HAND USE; Rett's disorder. Identifiers: Orphanet 3095, Orphanet 778, MedGen C0035372, MONDO:0010726, OMIM 312750.

Submission:

Centre for Population Genomics, CPG
Classification: Likely pathogenic for Rett syndrome. Last evaluated: 2024-12-19. Review status: criteria provided, single submitter. Criteria: McKnight et al. (Hum Mutat. 2022). Collection method: curation. Allele origin: germline. Inheritance: X-linked inheritance.
Comment: Based on the classification scheme defined by the ClinGen Rett/Angelman-like Expert Panel for Rett/AS-like Disorders Specifications to the ACMG/AMP Variant Interpretation Guidelines VCEP 3.0, this variant is classified as likely pathogenic. At least the following criteria are met: Predicted to result in loss of function, and LOF is a known mechanism of disease (PVS1).This variant is absent from gnomAD (PM2_Supporting).

NM_001323289.2(CDKL5):c.1151dup (p.Tyr384Ter)

Gene: CDKL5 (cyclin dependent kinase like 5; plus strand). Cytogenetic location: Xp22.13.
Variant type: Duplication.
Coding change: c.1151dup on transcript NM_001323289.2 (MANE Select); coding-DNA position 1151, one base duplicated (A; older notation c.1151dupA).
Protein change: p.Tyr384Ter; replaces tyrosine 384 with a stop codon.
Molecular consequence: nonsense.
Genome position (GRCh38, 1-based): chrX:18,604,075, A duplicated. VCF-style (leftmost placement, unchanged base first): chrX-18604074-T-TA. GRCh37 (hg19) VCF-style: chrX-18622194-T-TA.
Other names: NM_003159.3:c.1151dup; c.1151dup, p.Tyr384Ter (NM_001037343.2, NM_003159.3); short protein forms Y384*.
Identifiers: ClinVar variation 3602037 (VCV003602037.1).
Genomic context (GRCh38, chrX:18,604,074, plus strand): 5'-GAAAGCTTCCTAAATGGAAACCTTGCTGGAGCTAGTCTTAGTCCACTGCACACCAAAACC[T>TA]ACCAAGCAAGCAGCCAGCCTGGGTCTACCAGCAAAGATCTCACCAACAACAACATACCAC-3'